The following is an entry in ClinVar:

NC_000006.11:g.(?_65655666)_(65655827_?)del

Gene: EYS (eyes shut homolog; minus strand). Cytogenetic location: 6q12.
Variant type: Deletion.
Identifiers: ClinVar variation 3246090 (VCV003246090.1).

ClinVar aggregate classification (germline): Pathogenic (1 of 4 stars; one submission).

Submission:

Labcorp Genetics (formerly Invitae), Labcorp
Classification: Pathogenic. Last evaluated: 2023-11-21. Review status: criteria provided, single submitter. Criteria: Invitae Variant Classification Sherloc (09022015). Collection method: clinical testing. Allele origin: unknown.
Comment: This variant is a gross deletion of the genomic region encompassing exon(s) 15 of the EYS gene. This deletion is out-of-frame, and is expected to create a premature termination codon and result in an absent or disrupted protein product. Loss-of-function variants in EYS are known to be pathogenic (PMID: 18836446, 20333770). This variant has not been reported in the literature in individuals affected with EYS-related conditions. For these reasons, this variant has been classified as Pathogenic.

Literature cited by the submitters: PubMed 18836446; PubMed 20333770.